The following is an entry in ClinVar:

ClinVar aggregate classification (germline): Uncertain significance. Review status: criteria provided, multiple submitters, no conflicts (2 of 4 stars). 2 submissions from 2 submitters: Uncertain significance (2). Last evaluated 2025-02-19.

Conditions:
Cryptosporidiosis-chronic cholangitis-liver disease syndrome. Also called: IL21R immunodeficiency; Immunodeficiency type 56. Identifiers: Orphanet 357329, MedGen C3554687, MONDO:0014082, OMIM 615207.
Inborn genetic diseases. Identifiers: MedGen C0950123, MeSH D030342.

Allele frequency attached by ClinVar (database versions not stated): TOPMed below 0.00001; gnomAD 0.00001; gnomAD exomes 0.00001 and 0.00002; ExAC 0.00002.
gnomAD v4.1: 9 of 1,612,862 alleles (0.00056%); highest among the groups gnomAD compares: Admixed American, 0.0067%; no homozygotes.

Submissions (2):

Ambry Genetics
Classification: Uncertain significance for Inborn genetic diseases. Last evaluated: 2025-02-19. Review status: criteria provided, single submitter. Criteria: Ambry Variant Classification Scheme 2023. Collection method: clinical testing. Allele origin: germline.

Labcorp Genetics (formerly Invitae), Labcorp
Classification: Uncertain significance for Cryptosporidiosis-chronic cholangitis-liver disease syndrome. Last evaluated: 2022-09-27. Review status: criteria provided, single submitter. Criteria: Invitae Variant Classification Sherloc (09022015). Collection method: clinical testing. Allele origin: germline.
Comment: This sequence change replaces glycine, which is neutral and non-polar, with serine, which is neutral and polar, at codon 398 of the IL21R protein (p.Gly398Ser). This variant is present in population databases (rs758246145, gnomAD 0.009%). This variant has not been reported in the literature in individuals affected with IL21R-related conditions. ClinVar contains an entry for this variant (Variation ID: 1434385). Algorithms developed to predict the effect of missense changes on protein structure and function (SIFT, PolyPhen-2, Align-GVGD) all suggest that this variant is likely to be disruptive. In summary, the available evidence is currently insufficient to determine the role of this variant in disease. Therefore, it has been classified as a Variant of Uncertain Significance.

NM_181078.3(IL21R):c.1192G>A (p.Gly398Ser)

Genes: IL21R (interleukin 21 receptor; plus strand), IL21R-AS1 (IL21R antisense RNA 1; minus strand). Cytogenetic location: 16p12.1.
Variant type: single nucleotide variant.
Coding change: c.1192G>A on transcript NM_181078.3 (MANE Select); coding-DNA position 1192, G replaced by A.
Protein change: p.Gly398Ser; replaces glycine 398 with serine.
Molecular consequence: missense variant. On other transcripts: non-coding transcript variant (1).
Genome position (GRCh38, 1-based): chr16:27,448,858, G>A. VCF-style: chr16-27448858-G-A. GRCh37 (hg19) VCF-style: chr16-27460179-G-A.
Other names: c.1192G>A, p.Gly398Ser (NM_021798.4); c.1258G>A, p.Gly420Ser (NM_181079.5); c.1258G>A (NM_181079.4); short protein forms G398S, G420S.
Identifiers: ClinVar variation 1434385 (VCV001434385.7), dbSNP rs758246145, ClinGen allele CA7975166.